The following is an entry in ClinVar:

ClinVar aggregate classification (germline): Uncertain significance (1 of 4 stars; one submission).

Submission:

Ambry Genetics
Classification: Uncertain significance. Last evaluated: 2024-04-12. Review status: criteria provided, single submitter. Criteria: Ambry Variant Classification Scheme 2023. Collection method: clinical testing. Allele origin: germline.
Comment: The p.E34D variant (also known as c.102G>T), located in coding exon 2 of the RECQL gene, results from a G to T substitution at nucleotide position 102. The glutamic acid at codon 34 is replaced by aspartic acid, an amino acid with highly similar properties. This amino acid position is conserved. In addition, this alteration is predicted to be tolerated by in silico analysis. Based on the available evidence, the clinical significance of this variant remains unclear.

NM_002907.4(RECQL):c.102G>T (p.Glu34Asp)

Gene: RECQL (RecQ like helicase; minus strand). Cytogenetic location: 12p12.1.
Variant type: single nucleotide variant.
Coding change: c.102G>T on transcript NM_002907.4 (MANE Select); coding-DNA position 102, G replaced by T.
Protein change: p.Glu34Asp; replaces glutamic acid 34 with aspartic acid.
Molecular consequence: missense variant.
Genome position (GRCh38, 1-based): chr12:21,491,631, C>A on the plus strand (G>T on the coding strand, the complement: RECQL is on the minus strand). VCF-style: chr12-21491631-C-A. GRCh37 (hg19) VCF-style: chr12-21644565-C-A.
Other names: c.102G>T, p.Glu34Asp (NM_032941.3); short protein forms E34D.
Identifiers: ClinVar variation 3313501 (VCV003313501.1).